The following is an entry in ClinVar:

NM_001457.4(FLNB):c.3623A>G (p.Tyr1208Cys)

Gene: FLNB (filamin B; plus strand). Cytogenetic location: 3p14.3.
Variant type: single nucleotide variant.
Coding change: c.3623A>G on transcript NM_001457.4 (MANE Select); coding-DNA position 3623, A replaced by G.
Protein change: p.Tyr1208Cys; replaces tyrosine 1208 with cysteine.
Molecular consequence: missense variant.
Genome position (GRCh38, 1-based): chr3:58,123,589, A>G. VCF-style: chr3-58123589-A-G. GRCh37 (hg19) VCF-style: chr3-58109316-A-G.
Other names: c.3623A>G, p.Tyr1208Cys (NM_001164317.2, NM_001164318.2, NM_001164319.2); short protein forms Y1208C.
Identifiers: ClinVar variation 1315009 (VCV001315009.2), dbSNP rs2107176335, ClinGen allele CA353349185.
Genomic context (GRCh38, chr3:58,123,589, plus strand): 5'-GCACCTACGCGGTGACCTACGTGCCCCTGACGGCCGGCATGTACACGTTGACCATGAAGT[A>G]TGGTGGCGAACTCGTGCCACACTTCCCCGCCCGGGTCAAGGTGGAGCCCGCCGTGGACAC-3'
Protein context (NP_001448.2, residues 1198-1218): TAGMYTLTMK[Tyr1208Cys]GGELVPHFPA

ClinVar aggregate classification (germline): Uncertain significance (1 of 4 stars; one submission).

Submission:

GeneDx
Classification: Uncertain significance. Last evaluated: 2020-02-21. Review status: criteria provided, single submitter. Criteria: GeneDx Variant Classification Process June 2021. Collection method: clinical testing. Allele origin: germline. Affected: yes.
Comment: Not observed in large population cohorts (Lek et al., 2016); In silico analysis supports that this missense variant has a deleterious effect on protein structure/function; Has not been previously published as pathogenic or benign to our knowledge